The following is an entry in ClinVar:

NM_004181.5(UCHL1):c.457C>T (p.Arg153Trp)

Gene: UCHL1 (ubiquitin C-terminal hydrolase L1; plus strand). Cytogenetic location: 4p13.
Variant type: single nucleotide variant.
Coding change: c.457C>T on transcript NM_004181.5 (MANE Select); coding-DNA position 457, C replaced by T.
Protein change: p.Arg153Trp; replaces arginine 153 with tryptophan.
Molecular consequence: missense variant.
Genome position (GRCh38, 1-based): chr4:41,261,921, C>T. VCF-style: chr4-41261921-C-T. GRCh37 (hg19) VCF-style: chr4-41263938-C-T.
Other names: short protein forms R153W.
Identifiers: ClinVar variation 901094 (VCV000901094.10), dbSNP rs139583787, ClinGen allele CA2900028.

ClinVar aggregate classification (germline): Conflicting classifications of pathogenicity. Review status: criteria provided, conflicting classifications (1 of 4 stars). 3 submissions from 3 submitters: Uncertain significance (1); Likely benign (2). Last evaluated 2026-01-15.

Conditions:
Parkinson disease 5, autosomal dominant, susceptibility to (PARK5). Also called: Parkinson disease 5, susceptibility to. Identifiers: Orphanet 2828, MedGen C3150899, MONDO:0013340, OMIM 613643.
UCHL1-related disorder. Also called: UCHL1-related condition.

Allele frequency attached by ClinVar (database versions not stated): gnomAD exomes 0.00008 and 0.00015; TOPMed 0.00008; ExAC 0.00009; gnomAD 0.00014; ESP Exome Variant Server 0.00038.
gnomAD v4.1: 148 of 1,614,022 alleles (0.0092%); highest among the groups gnomAD compares: East Asian, 0.0067%; no homozygotes.

Submissions (5):

Labcorp Genetics (formerly Invitae), Labcorp
Classification: Likely benign. Last evaluated: 2026-01-15. Review status: criteria provided, single submitter. Criteria: Invitae Variant Classification Sherloc (09022015). Collection method: clinical testing. Allele origin: germline.

PreventionGenetics, part of Exact Sciences
Classification: Likely benign for UCHL1-related condition. Last evaluated: 2025-06-10. Review status: criteria provided, single submitter. Criteria: ACMG Guidelines, 2015. Collection method: clinical testing. Allele origin: germline.
Comment: This variant is classified as likely benign based on ACMG/AMP sequence variant interpretation guidelines (Richards et al. 2015 PMID: 25741868, with internal and published modifications).

Illumina Laboratory Services, Illumina
Classification: Uncertain significance for Parkinson disease 5, autosomal dominant, susceptibility to. Last evaluated: 2017-04-27. Review status: criteria provided, single submitter. Criteria: ICSL Variant Classification Criteria 13 December 2019. Collection method: clinical testing. Allele origin: germline.

Dr. Peter K. Rogan Lab, Western University
No classification provided (evidence only). Condition: Colon adenocarcinoma. Review status: no classification provided. Collection method: in vitro. Allele origin: not applicable. Functional consequence: skipped exon, retained intron. Not counted in ClinVar's aggregate classification.

Dr. Peter K. Rogan Lab, Western University
No classification provided (evidence only). Condition: Uterine corpus endometrial carcinoma. Review status: no classification provided. Collection method: in vitro. Allele origin: not applicable. Functional consequence: retained intron. Not counted in ClinVar's aggregate classification.